The following is an entry in ClinVar:

NM_001163435.3(TBCK):c.334A>G (p.Ile112Val)

Gene: TBCK (TBC1 domain containing kinase; minus strand). Cytogenetic location: 4q24.
Variant type: single nucleotide variant.
Coding change: c.334A>G on transcript NM_001163435.3 (MANE Select); coding-DNA position 334, A replaced by G.
Protein change: p.Ile112Val; replaces isoleucine 112 with valine.
Molecular consequence: missense variant. On other transcripts: 5 prime UTR variant (1), intron variant (1).
Genome position (GRCh38, 1-based): chr4:106,262,145, T>C on the plus strand (A>G on the coding strand, the complement: TBCK is on the minus strand). VCF-style: chr4-106262145-T-C. GRCh37 (hg19) VCF-style: chr4-107183302-T-C.
Other names: c.334A>G, p.Ile112Val (NM_001163436.4, NM_001163437.3); c.-284A>G (NM_001290768.2); c.267-10138A>G (NM_033115.5); short protein forms I112V.
Identifiers: ClinVar variation 2168069 (VCV002168069.1), dbSNP rs144707881, ClinGen allele CA3035469.
Genomic context (GRCh38, chr4:106,262,145, plus strand): 5'-ATTTAACAATTACCTTTCGGTCCAACAGGATATTATGAGGAGACAATGCCCTGTGTACTA[T>C]ACCATGTTTGTTCATATACTGCAAGCCCTGAAGAACCTCAAATGCTATACACAAAACCGT-3'
Protein context (NP_001156907.2, residues 102-122): QGLQYMNKHG[Ile112Val]VHRALSPHNI

ClinVar aggregate classification (germline): Uncertain significance (1 of 4 stars; one submission).

Allele frequency attached by ClinVar (database versions not stated): gnomAD exomes 0.00004; ExAC 0.00009; gnomAD 0.00012; TOPMed 0.00014; 1000 Genomes Project 30x 0.00094; 1000 Genomes Project 0.00100.
gnomAD v4.1: 84 of 1,548,700 alleles (0.0054%); highest among the groups gnomAD compares: East Asian, 0.13%; 1 homozygote.

Submission:

Labcorp Genetics (formerly Invitae), Labcorp
Classification: Uncertain significance. Last evaluated: 2022-09-23. Review status: criteria provided, single submitter. Criteria: Invitae Variant Classification Sherloc (09022015). Collection method: clinical testing. Allele origin: germline.
Comment: This sequence change replaces isoleucine, which is neutral and non-polar, with valine, which is neutral and non-polar, at codon 112 of the TBCK protein (p.Ile112Val). This variant is present in population databases (rs144707881, gnomAD 0.2%). This variant has not been reported in the literature in individuals affected with TBCK-related conditions. Advanced modeling of protein sequence and biophysical properties (such as structural, functional, and spatial information, amino acid conservation, physicochemical variation, residue mobility, and thermodynamic stability) performed at Invitae indicates that this missense variant is not expected to disrupt TBCK protein function. In summary, the available evidence is currently insufficient to determine the role of this variant in disease. Therefore, it has been classified as a Variant of Uncertain Significance.